The following is an entry in ClinVar:

ClinVar aggregate classification (germline): Conflicting classifications of pathogenicity. Review status: criteria provided, conflicting classifications (1 of 4 stars). 2 submissions from 2 submitters: Likely pathogenic (1); Uncertain significance (1). Last evaluated 2024-08-29.

Conditions:
Pseudopseudohypoparathyroidism (PPHP). Also called: Pseudopseudohypoparathyroidism (PPHP); ALBRIGHT HEREDITARY OSTEODYSTROPHY WITHOUT MULTIPLE HORMONE RESISTANCE. Identifiers: Orphanet 79445, MedGen C0033835, MONDO:0012912, OMIM 612463.

Submissions (2):

Labcorp Genetics (formerly Invitae), Labcorp
Classification: Uncertain significance. Last evaluated: 2024-08-29. Review status: criteria provided, single submitter. Criteria: Invitae Variant Classification Sherloc (09022015). Collection method: clinical testing. Allele origin: germline.
Comment: This sequence change replaces serine, which is neutral and polar, with arginine, which is basic and polar, at codon 251 of the GNAS protein (p.Ser251Arg). This variant is not present in population databases (gnomAD no frequency). This missense change has been observed in individual(s) with clinical features of GNAS-related conditions (PMID: 35792504). This variant is also known as p.Ser894Arg. ClinVar contains an entry for this variant (Variation ID: 617752). Invitae Evidence Modeling of protein sequence and biophysical properties (such as structural, functional, and spatial information, amino acid conservation, physicochemical variation, residue mobility, and thermodynamic stability) indicates that this missense variant is expected to disrupt GNAS protein function with a positive predictive value of 80%. In summary, the available evidence is currently insufficient to determine the role of this variant in disease. Therefore, it has been classified as a Variant of Uncertain Significance.

Genetic Endocrinology Unit / Unidade de Endocrinologia Genetica - LIM25, Universidade de Sao Paulo (USP)
Classification: Likely pathogenic for Pseudopseudohypoparathyroidism. Last evaluated: 2019-02-08. Review status: criteria provided, single submitter. Criteria: ACMG Guidelines, 2015. Collection method: clinical testing. Allele origin: de novo. Inheritance: Autosomal dominant inheritance. Affected: yes. Observed: 1 heterozygote.
Comment: De novo variant and patient's phenotype is highly specific for Pseudopseudohypoparathyroidism.

Literature cited by the submitters: PubMed 35792504 (cited by Labcorp Genetics (formerly Invitae), Labcorp).

NM_000516.7(GNAS):c.753C>G (p.Ser251Arg)

Gene: GNAS (GNAS complex locus; plus strand). Cytogenetic location: 20q13.32.
Variant type: single nucleotide variant.
Coding change: c.753C>G on transcript NM_000516.7 (MANE Select); coding-DNA position 753, C replaced by G.
Protein change: p.Ser251Arg; replaces serine 251 with arginine.
Molecular consequence: missense variant. On other transcripts: 3 prime UTR variant (2).
Genome position (GRCh38, 1-based): chr20:58,909,718, C>G. VCF-style: chr20-58909718-C-G. GRCh37 (hg19) VCF-style: chr20-57484773-C-G.
Other names: c.756C>G, p.Ser252Arg (NM_001077488.5); c.708C>G, p.Ser236Arg (NM_001077489.4); c.*614C>G (NM_001077490.3); c.576C>G, p.Ser192Arg (NM_001309840.2, NM_001309861.2); c.*659C>G (NM_016592.5); c.2682C>G, p.Ser894Arg (NM_080425.4); c.711C>G, p.Ser237Arg (NM_080426.4); short protein forms S252R, S894R, S236R, S251R, S237R, S192R.
Identifiers: ClinVar variation 617752 (VCV000617752.4), dbSNP rs1272546759, ClinGen allele CA409452512.